The following is an entry in ClinVar:

ClinVar aggregate classification (germline): Uncertain significance (1 of 4 stars; one submission).

Conditions:
MARVELD2-related disorder. Also called: MARVELD2-related condition.

gnomAD v4.1: 58 of 1,614,014 alleles (0.0036%); highest among the groups gnomAD compares: Non-Finnish European, 0.0045%; no homozygotes.

Submission:

PreventionGenetics, part of Exact Sciences
Classification: Uncertain significance for MARVELD2-related condition. Last evaluated: 2026-06-15. Review status: criteria provided, single submitter. Criteria: ACMG Guidelines, 2015. Collection method: clinical testing. Allele origin: germline.
Comment: The MARVELD2 c.439C>T variant is predicted to result in the amino acid substitution p.Arg147Trp. To our knowledge, this variant has not been reported in the literature. This variant is reported in 0.0078% of alleles in individuals of European (Non-Finnish) descent in gnomAD. At this time, the clinical significance of this variant is uncertain due to the absence of conclusive functional and genetic evidence.

NM_001038603.3(MARVELD2):c.439C>T (p.Arg147Trp)

Gene: MARVELD2 (MARVEL domain containing 2; plus strand). Cytogenetic location: 5q13.2.
Variant type: single nucleotide variant.
Coding change: c.439C>T on transcript NM_001038603.3 (MANE Select); coding-DNA position 439, C replaced by T.
Protein change: p.Arg147Trp; replaces arginine 147 with tryptophan.
Molecular consequence: missense variant.
Genome position (GRCh38, 1-based): chr5:69,419,824, C>T. VCF-style: chr5-69419824-C-T. GRCh37 (hg19) VCF-style: chr5-68715651-C-T.
Other names: c.439C>T, p.Arg147Trp (NM_001244734.2); short protein forms R147W.
Identifiers: ClinVar variation 4979064 (VCV004979064.1).